The following is an entry in ClinVar:

ClinVar aggregate classification (germline): Likely benign. Review status: criteria provided, multiple submitters, no conflicts (2 of 4 stars). 2 submissions from 2 submitters: Likely benign (2). Last evaluated 2025-12-17.

Conditions:
Charcot-Marie-Tooth disease axonal type 2C (HMSN2C). Also called: CHARCOT-MARIE-TOOTH DISEASE, AXONAL, AUTOSOMAL DOMINANT, TYPE 2C; Charcot-Marie-Tooth Neuropathy Type 2C; Charcot-Marie-Tooth Disease Type 2, TRPV4-Related (CMT2C). Identifiers: Orphanet 99937, MedGen C1853710, MONDO:0011633, OMIM 606071.

Allele frequency attached by ClinVar (database versions not stated): gnomAD exomes below 0.00001.
gnomAD v4.1: 6 of 1,611,436 alleles (0.00037%); highest among the groups gnomAD compares: Non-Finnish European, 0.00051%; no homozygotes.

Submissions (2):

Labcorp Genetics (formerly Invitae), Labcorp
Classification: Likely benign for Charcot-Marie-Tooth disease axonal type 2C. Last evaluated: 2025-12-17. Review status: criteria provided, single submitter. Criteria: Invitae Variant Classification Sherloc (09022015). Collection method: clinical testing. Allele origin: germline.

GeneDx
Classification: Likely benign. Last evaluated: 2018-01-12. Review status: criteria provided, single submitter. Criteria: GeneDx Variant Classification (06012015). Collection method: clinical testing. Allele origin: germline. Affected: yes.
Comment: This variant is considered likely benign or benign based on one or more of the following criteria: it is a conservative change, it occurs at a poorly conserved position in the protein, it is predicted to be benign by multiple in silico algorithms, and/or has population frequency not consistent with disease.

NM_021625.5(TRPV4):c.713-13C>T

Gene: TRPV4 (transient receptor potential cation channel subfamily V member 4; minus strand). Cytogenetic location: 12q24.11.
Variant type: single nucleotide variant.
Coding change: c.713-13C>T on transcript NM_021625.5 (MANE Select); 13 bases into the intron before coding-DNA position 713, C replaced by T.
Molecular consequence: intron variant.
Genome position (GRCh38, 1-based): chr12:109,800,771, G>A on the plus strand (C>T on the coding strand, the complement: TRPV4 is on the minus strand). VCF-style: chr12-109800771-G-A. GRCh37 (hg19) VCF-style: chr12-110238576-G-A.
Other names: c.713-1859C>T (NM_001177433.1, NM_001177428.1); c.713-13C>T (NM_147204.2); c.611-13C>T (NM_001177431.1).
Identifiers: ClinVar variation 514756 (VCV000514756.1), dbSNP rs1361037363, ClinGen allele CA607298364.